The following is an entry in ClinVar:

NM_000036.3(AMPD1):c.2181T>A (p.Tyr727Ter)

Gene: AMPD1 (adenosine monophosphate deaminase 1; minus strand). Cytogenetic location: 1p13.2.
Variant type: single nucleotide variant.
Coding change: c.2181T>A on transcript NM_000036.3 (MANE Select); coding-DNA position 2181, T replaced by A.
Protein change: p.Tyr727Ter; replaces tyrosine 727 with a stop codon.
Molecular consequence: nonsense.
Genome position (GRCh38, 1-based): chr1:114,673,177, A>T on the plus strand (T>A on the coding strand, the complement: AMPD1 is on the minus strand). VCF-style: chr1-114673177-A-T. GRCh37 (hg19) VCF-style: chr1-115215798-A-T.
Other names: c.2169T>A, p.Tyr723Ter (NM_001172626.2); short protein forms Y727*, Y723*.
Identifiers: ClinVar variation 1030545 (VCV001030545.1), dbSNP rs1657881990, ClinGen allele CA341742500.

ClinVar aggregate classification (germline): Likely pathogenic (1 of 4 stars; one submission).

Conditions:
Muscle AMP deaminase deficiency (MMDD). Also called: Adenosine monophosphate deaminase 1 deficiency; AMP deaminase 1 deficiency; Adenosine Monophosphate Deaminase 1; AMPD1 DEFICIENCY; ADENOSINE MONOPHOSPHATE DEAMINASE-1 DEFICIENCY, MYOPATHY DUE TO; Myoadenylate deaminase deficiency, myopathy due to. Identifiers: Orphanet 45, MedGen C3714933, MONDO:0014220, OMIM 615511.

Submission:

Baylor Genetics
Classification: Likely pathogenic for Muscle AMP deaminase deficiency. Last evaluated: 2020-02-05. Review status: criteria provided, single submitter. Criteria: ACMG Guidelines, 2015. Collection method: clinical testing. Allele origin: unknown. Affected: yes.
Comment: This variant was determined to be likely pathogenic according to ACMG Guidelines, 2015 [PMID:25741868].